The following is an entry in ClinVar:

ClinVar aggregate classification (germline): Uncertain significance (1 of 4 stars; one submission).

Allele frequency attached by ClinVar (database versions not stated): gnomAD exomes 0.00001; ExAC 0.00004; gnomAD 0.00001; ESP Exome Variant Server 0.00008; TOPMed 0.00002.
gnomAD v4.1: 15 of 1,572,944 alleles (0.00095%); highest among the groups gnomAD compares: South Asian, 0.0084%; no homozygotes.

Submission:

Labcorp Genetics (formerly Invitae), Labcorp
Classification: Uncertain significance. Last evaluated: 2022-03-09. Review status: criteria provided, single submitter. Criteria: Invitae Variant Classification Sherloc (09022015). Collection method: clinical testing. Allele origin: germline.
Comment: This sequence change replaces arginine, which is basic and polar, with glutamine, which is neutral and polar, at codon 309 of the XYLT2 protein (p.Arg309Gln). This variant is present in population databases (rs376174972, gnomAD 0.01%). This variant has not been reported in the literature in individuals affected with XYLT2-related conditions. Algorithms developed to predict the effect of missense changes on protein structure and function are either unavailable or do not agree on the potential impact of this missense change (SIFT: "Tolerated"; PolyPhen-2: "Possibly Damaging"; Align-GVGD: "Class C0"). In summary, the available evidence is currently insufficient to determine the role of this variant in disease. Therefore, it has been classified as a Variant of Uncertain Significance.

NM_022167.4(XYLT2):c.926G>A (p.Arg309Gln)

Gene: XYLT2 (xylosyltransferase 2; plus strand). Cytogenetic location: 17q21.33.
Variant type: single nucleotide variant.
Coding change: c.926G>A on transcript NM_022167.4 (MANE Select); coding-DNA position 926, G replaced by A.
Protein change: p.Arg309Gln; replaces arginine 309 with glutamine.
Molecular consequence: missense variant.
Genome position (GRCh38, 1-based): chr17:50,354,975, G>A. VCF-style: chr17-50354975-G-A. GRCh37 (hg19) VCF-style: chr17-48432336-G-A.
Other names: short protein forms R309Q.
Identifiers: ClinVar variation 1906942 (VCV001906942.2), dbSNP rs376174972, ClinGen allele CA8646311.